The following is an entry in ClinVar:

ClinVar aggregate classification (germline): Uncertain significance (1 of 4 stars; one submission).

Allele frequency attached by ClinVar (database versions not stated): TOPMed below 0.00001; gnomAD 0.00001.

Submission:

GeneDx
Classification: Uncertain significance. Last evaluated: 2025-08-15. Review status: criteria provided, single submitter. Criteria: GeneDx Variant Classification Process June 2021. Collection method: clinical testing. Allele origin: germline. Affected: yes.
Comment: Not observed at significant frequency in large population cohorts (gnomAD); In silico analysis supports that this missense variant has a deleterious effect on protein structure/function; Has not been previously published as pathogenic or benign to our knowledge

NM_001807.6(CEL):c.572T>A (p.Ile191Asn)

Gene: CEL (carboxyl ester lipase; plus strand). Cytogenetic location: 9q34.13.
Variant type: single nucleotide variant.
Coding change: c.572T>A on transcript NM_001807.6 (MANE Select); coding-DNA position 572, T replaced by A.
Protein change: p.Ile191Asn; replaces isoleucine 191 with asparagine.
Molecular consequence: missense variant.
Genome position (GRCh38, 1-based): chr9:133,066,563, T>A. VCF-style: chr9-133066563-T-A. GRCh37 (hg19) VCF-style: chr9-135941950-T-A.
Other names: short protein forms I191N.
Identifiers: ClinVar variation 1201520 (VCV001201520.4), dbSNP rs1388281999, ClinGen allele CA375393228.